The following is an entry in ClinVar:

ClinVar aggregate classification (germline): Pathogenic/Likely pathogenic. Review status: criteria provided, multiple submitters, no conflicts (2 of 4 stars). 3 submissions from 3 submitters: Pathogenic (1); Likely pathogenic (1). 1 of the submissions does not count toward it. Last evaluated 2025-09-22.

Conditions:
Proliferative vasculopathy and hydranencephaly-hydrocephaly syndrome. Also called: HYDRANENCEPHALY, FOWLER TYPE; HYDROCEPHALY/HYDRANENCEPHALY DUE TO CEREBRAL VASCULOPATHY; ENCEPHALOCLASTIC PROLIFERATIVE VASCULOPATHY; Fowler syndrome. Identifiers: Orphanet 221126, MedGen C1856972, MONDO:0009168, OMIM 225790.

gnomAD v4.1: 11 of 1,614,072 alleles (0.00068%); highest among the groups gnomAD compares: South Asian, 0.012%; no homozygotes.

Submissions (3):

Victorian Clinical Genetics Services, Murdoch Childrens Research Institute
Classification: Pathogenic for Proliferative vasculopathy and hydranencephaly-hydrocephaly syndrome. Last evaluated: 2025-09-22. Review status: criteria provided, single submitter. Criteria: ACMG Guidelines, 2015. Collection method: clinical testing. Allele origin: germline. Affected: yes.
Comment: This variant is classified as Pathogenic. Evidence in support of pathogenic classification: Variant is present in gnomAD <0.01 for a recessive condition (v4: 11 heterozygote(s), 0 homozygote(s)) ; This variant has moderate previous evidence of pathogenicity in unrelated individuals. This variant was identified in a homozygous state in five fetuses with Fowler syndrome from three consanguineous families (PMID:20206334); This variant has moderate functional evidence supporting abnormal protein function. Mutagenesis studies in mice showed homozygous p.Thr430Arg abolished choline transport activity (PMID:38302740); Other missense variants comparable to the one identified in this case have moderate previous evidence for pathogenicity. p.(Thr480Met) has been reported in a homozygous state in two siblings who survived beyond infancy, and in a compound heterozygous state in two related fetuses, all diagnosed with Fowler syndrome (PMIDs:20690116, 25677735). In addition, p.(Thr430Ala) has been reported in a compound heterozygous state in a young child with Fowler syndrome (PMID:32369449); Missense variant predicted to be damaging by in silico tool(s) or highly conserved with a major amino acid change; Very strong and specific phenotype match for this individual. Additional information: Variant is predicted to result in a missense amino acid change from threonine to arginine; This variant is homozygous; This gene is associated with autosomal recessive disease; Alternative amino acid change(s) at the same position are present in gnomAD (Highest allele count: v4: 64 heterozygote(s), 0 homozygote(s)) ; Variant is located in the annotated MFS-1 domain (DECIPHER); Loss of function is a known mechanism of disease in this gene and is associated with proliferative vasculopathy and hydranencephaly-hydrocephaly syndrome (MIM#225790); Variants in this gene are known to have variable expressivity. Interfamilial and intrafamilial variability expressivity have been reported (PMID:32333401); This variant has been shown to be both maternally and paternally inherited (biallelic).

3billion
Classification: Likely pathogenic for Proliferative vasculopathy and hydranencephaly-hydrocephaly syndrome. Last evaluated: 2025-05-20. Review status: criteria provided, single submitter. Criteria: ACMG Guidelines, 2015. Collection method: clinical testing. Allele origin: germline. Affected: yes.
Comment: The variant is observed at an extremely low frequency in the gnomAD v4.1.0 dataset (total allele frequency: <0.001%). Predicted Consequence/Location: Missense variant In silico tool predictions suggest damaging effect of the variant on gene or gene product [REVEL: 0.71 (>=0.6, sensitivity 0.68 and specificity 0.92); 3Cnet: 0.78 (> 0.75, sensitivity 0.96 and precision 0.92)]. The same nucleotide change resulting in the same amino acid change has been previously reported to be associated with FLVCR2-related disorder (ClinVar ID: VCV000001087 /PMID: 20206334). The variant has been reported to co-segregate with the disease in at least one similarly affected relative/individual in the same family or similarly affected unrelated families (PMID: 20206334). Different missense changes at the same codon (p.Thr430Ala, p.Thr430Met) have been reported to be associated with FLVCR2-related disorder (ClinVar ID: VCV000523100 /PMID: 20690116, 32369449). Therefore, this variant is classified as Likely pathogenic according to the recommendation of ACMG/AMP guideline.

OMIM
Classification: Pathogenic for PROLIFERATIVE VASCULOPATHY AND HYDRANENCEPHALY-HYDROCEPHALY SYNDROME. Last evaluated: 2010-03-12. Review status: no assertion criteria provided. Collection method: literature only. Allele origin: germline. Not counted in ClinVar's aggregate classification.

Literature cited by the submitters: PubMed 20206334 (cited by 3 submitters); PubMed 20690116 (cited by Victorian Clinical Genetics Services, Murdoch Childrens Research Institute and 3billion); PubMed 32333401 (cited by Victorian Clinical Genetics Services, Murdoch Childrens Research Institute); PubMed 38302740 (cited by Victorian Clinical Genetics Services, Murdoch Childrens Research Institute and OMIM); PubMed 25677735 (cited by Victorian Clinical Genetics Services, Murdoch Childrens Research Institute); PubMed 32369449 (cited by Victorian Clinical Genetics Services, Murdoch Childrens Research Institute).

NM_017791.3(FLVCR2):c.1289C>G (p.Thr430Arg)

Gene: FLVCR2 (FLVCR choline and putative heme transporter 2; plus strand). Cytogenetic location: 14q24.3.
Variant type: single nucleotide variant.
Coding change: c.1289C>G on transcript NM_017791.3 (MANE Select); coding-DNA position 1289, C replaced by G.
Protein change: p.Thr430Arg; replaces threonine 430 with arginine.
Molecular consequence: missense variant.
Genome position (GRCh38, 1-based): chr14:75,641,008, C>G. VCF-style: chr14-75641008-C-G. GRCh37 (hg19) VCF-style: chr14-76107351-C-G.
Other names: c.674C>G, p.Thr225Arg (NM_001195283.2); short protein forms T430R, T225R.
Identifiers: ClinVar variation 1087 (VCV000001087.7), dbSNP rs267606825, ClinGen allele CA114745.